The following is an entry in ClinVar:

NM_001145252.3(CFP):c.1205C>G (p.Ala402Gly)

Gene: CFP (complement factor properdin; minus strand). Cytogenetic location: Xp11.23.
Variant type: single nucleotide variant.
Coding change: c.1205C>G on transcript NM_001145252.3 (MANE Select); coding-DNA position 1205, C replaced by G.
Protein change: p.Ala402Gly; replaces alanine 402 with glycine.
Molecular consequence: missense variant.
Genome position (GRCh38, 1-based): chrX:47,626,097, G>C on the plus strand (C>G on the coding strand, the complement: CFP is on the minus strand). VCF-style: chrX-47626097-G-C. GRCh37 (hg19) VCF-style: chrX-47485496-G-C.
Other names: c.1205C>G, p.Ala402Gly (NM_002621.2); short protein forms A402G.
Identifiers: ClinVar variation 1421560 (VCV001421560.9), dbSNP rs757339568, ClinGen allele CA329070089.

ClinVar aggregate classification (germline): Uncertain significance. Review status: criteria provided, multiple submitters, no conflicts (2 of 4 stars). 2 submissions from 2 submitters: Uncertain significance (2). Last evaluated 2025-01-28.

Conditions:
Inborn genetic diseases. Identifiers: MedGen C0950123, MeSH D030342.

Allele frequency attached by ClinVar (database versions not stated): TOPMed below 0.00001; gnomAD 0.00001; gnomAD exomes 0.00002; 1000 Genomes Project 30x 0.00021; 1000 Genomes Project 0.00026.
gnomAD v4.1: 17 of 1,176,894 alleles (0.0014%); highest among the groups gnomAD compares: African/African-American, 0.0018%; no homozygotes.

Submissions (2):

Ambry Genetics
Classification: Uncertain significance for Inborn genetic diseases. Last evaluated: 2025-01-28. Review status: criteria provided, single submitter. Criteria: Ambry Variant Classification Scheme 2023. Collection method: clinical testing. Allele origin: germline.

Labcorp Genetics (formerly Invitae), Labcorp
Classification: Uncertain significance. Last evaluated: 2024-11-26. Review status: criteria provided, single submitter. Criteria: Invitae Variant Classification Sherloc (09022015). Collection method: clinical testing. Allele origin: germline.
Comment: This sequence change replaces alanine, which is neutral and non-polar, with glycine, which is neutral and non-polar, at codon 402 of the CFP protein (p.Ala402Gly). This variant is present in population databases (rs757339568, gnomAD 0.01%). This variant has not been reported in the literature in individuals affected with CFP-related conditions. ClinVar contains an entry for this variant (Variation ID: 1421560). Invitae Evidence Modeling of protein sequence and biophysical properties (such as structural, functional, and spatial information, amino acid conservation, physicochemical variation, residue mobility, and thermodynamic stability) indicates that this missense variant is not expected to disrupt CFP protein function with a negative predictive value of 80%. In summary, the available evidence is currently insufficient to determine the role of this variant in disease. Therefore, it has been classified as a Variant of Uncertain Significance.